The following is an entry in ClinVar:

ClinVar aggregate classification (germline): Likely benign (1 of 4 stars; one submission).

Allele frequency attached by ClinVar (database versions not stated): gnomAD 0.00091; TOPMed 0.00091.
gnomAD v4.1: 137 of 152,188 alleles (0.09%); highest among the groups gnomAD compares: Non-Finnish European, 0.16%; 1 homozygote.

Submission:

CeGaT Center for Human Genetics Tuebingen
Classification: Likely benign. Last evaluated: 2023-02-01. Review status: criteria provided, single submitter. Criteria: CeGaT Center For Human Genetics Tuebingen Variant Classification Criteria Version 2. Collection method: clinical testing. Allele origin: germline. Affected: yes. Observed: 3 variant alleles.
Comment: BRD4: BS1

NM_001379291.1(BRD4):c.2158+3487C>A

Gene: BRD4 (bromodomain containing 4; minus strand). Cytogenetic location: 19p13.12.
Variant type: single nucleotide variant.
Coding change: c.2158+3487C>A on transcript NM_001379291.1 (MANE Select); 3487 bases into the intron after coding-DNA position 2158, C replaced by A.
Molecular consequence: intron variant.
Genome position (GRCh38, 1-based): chr19:15,250,665, G>T on the plus strand (C>A on the coding strand, the complement: BRD4 is on the minus strand). VCF-style: chr19-15250665-G-T. GRCh37 (hg19) VCF-style: chr19-15361476-G-T.
Other names: c.2158+3487C>A (NM_058243.3); c.2159-1375C>A (NM_001379292.1, NM_014299.3).
Identifiers: ClinVar variation 2498764 (VCV002498764.28), dbSNP rs548965947, ClinGen allele CA305796719.